The following is an entry in ClinVar:

ClinVar aggregate classification (germline): Conflicting classifications of pathogenicity. Review status: criteria provided, conflicting classifications (1 of 4 stars). 2 submissions from 2 submitters: Uncertain significance (1); Likely benign (1). Last evaluated 2025-07-23.

Conditions:
Cardiomyopathy (CMYO). Also called: Cardiomyopathies. Identifiers: Orphanet 167848, MedGen C0878544, MONDO:0004994, HP:0001638. Inheritance: Various modes of inheritance.
Catecholaminergic polymorphic ventricular tachycardia 1. Also called: VENTRICULAR TACHYCARDIA, CATECHOLAMINERGIC POLYMORPHIC, 1, WITH OR WITHOUT ATRIAL DYSFUNCTION AND/OR DILATED CARDIOMYOPATHY; RYR2-Related Catecholaminergic Polymorphic Ventricular Tachycardia; VENTRICULAR TACHYCARDIA, STRESS-INDUCED POLYMORPHIC 1. Identifiers: Orphanet 3286, MedGen C1631597, MONDO:0011484, OMIM 604772.

Allele frequency attached by ClinVar (database versions not stated): gnomAD exomes below 0.00001.
gnomAD v4.1: 4 of 1,554,750 alleles (0.00026%); highest among the groups gnomAD compares: Non-Finnish European, 0.00035%; no homozygotes.

Submissions (2):

Labcorp Genetics (formerly Invitae), Labcorp
Classification: Uncertain significance for Catecholaminergic polymorphic ventricular tachycardia 1. Last evaluated: 2025-07-23. Review status: criteria provided, single submitter. Criteria: Invitae Variant Classification Sherloc (09022015). Collection method: clinical testing. Allele origin: germline.
Comment: This sequence change falls in intron 58 of the RYR2 gene. It does not directly change the encoded amino acid sequence of the RYR2 protein. It affects a nucleotide within the consensus splice site. This variant is not present in population databases (gnomAD no frequency). This variant has not been reported in the literature in individuals affected with RYR2-related conditions. ClinVar contains an entry for this variant (Variation ID: 921692). Variants that disrupt the consensus splice site are a relatively common cause of aberrant splicing (PMID: 17576681, 9536098). Algorithms developed to predict the effect of sequence changes on RNA splicing suggest that this variant is not likely to affect RNA splicing. In summary, the available evidence is currently insufficient to determine the role of this variant in disease. Therefore, it has been classified as a Variant of Uncertain Significance.

Color Diagnostics, LLC DBA Color Health
Classification: Likely benign for Cardiomyopathy. Last evaluated: 2019-09-23. Review status: criteria provided, single submitter. Criteria: ACMG Guidelines, 2015. Collection method: clinical testing. Allele origin: germline.

Literature cited by the submitters: PubMed 17576681 (cited by Labcorp Genetics (formerly Invitae), Labcorp); PubMed 9536098 (cited by Labcorp Genetics (formerly Invitae), Labcorp).

NM_001035.3(RYR2):c.8590+6A>G

Gene: RYR2 (ryanodine receptor 2; plus strand). Cytogenetic location: 1q43.
Variant type: single nucleotide variant.
Coding change: c.8590+6A>G on transcript NM_001035.3 (MANE Select); 6 bases into the intron after coding-DNA position 8590, A replaced by G.
Molecular consequence: intron variant.
Genome position (GRCh38, 1-based): chr1:237,667,964, A>G. VCF-style: chr1-237667964-A-G. GRCh37 (hg19) VCF-style: chr1-237831264-A-G.
Identifiers: ClinVar variation 921692 (VCV000921692.5), dbSNP rs1684469954, ClinGen allele CA1139656700.
Genomic context (GRCh38, chr1:237,667,964, plus strand): 5'-GAAAACTACCATAATATATGGGCAAAGAAAAAGAAAATGGAGTTGGAGTCCAAAGGTAAT[A>G]TTTTCTAAAAACGTTTATTAAAAAATAATCTGAGCTCAATTCCATGAGTGTATGGATGAA-3'